The following is an entry in ClinVar:

ClinVar aggregate classification (germline): Uncertain significance (1 of 4 stars; one submission).

Conditions:
Hereditary cancer-predisposing syndrome. Also called: Tumor predisposition; Hereditary Cancer Syndrome; Hereditary neoplastic syndrome; Neoplastic Syndromes, Hereditary. Identifiers: Orphanet 140162, MedGen C0027672, MeSH D009386, MONDO:0015356.

Submission:

Ambry Genetics
Classification: Uncertain significance for Hereditary cancer-predisposing syndrome. Last evaluated: 2023-09-13. Review status: criteria provided, single submitter. Criteria: Ambry Variant Classification Scheme 2023. Collection method: clinical testing. Allele origin: germline.
Comment: The p.S323A variant (also known as c.967T>G), located in coding exon 5 of the SMARCA4 gene, results from a T to G substitution at nucleotide position 967. The serine at codon 323 is replaced by alanine, an amino acid with similar properties. This amino acid position is well conserved in available vertebrate species. In addition, the in silico prediction for this alteration is inconclusive. Missense and in-frame variants in SMARCA4 are known to cause neurodevelopmental disorders; however, such associations with rhabdoid tumor predisposition syndrome including small cell carcinoma of the ovary-hypercalcemic type (SCCOHT) are exceedingly rare (Kosho T et al. Am J Med Genet C Semin Med Genet. 2014 Sep;166C(3):262-75; Jelinic P et al. Nat Genet. 2014 May;46(5):424-6). Based on the supporting evidence, the association of this alteration with Coffin-Siris syndrome is unknown; however, the association of this alteration with rhabdoid tumor predisposition syndrome is unlikely.

NM_003072.5(SMARCA4):c.967T>G (p.Ser323Ala)

Gene: SMARCA4 (SWI/SNF related BAF chromatin remodeling complex subunit ATPase 4; plus strand). Cytogenetic location: 19p13.2.
Variant type: single nucleotide variant.
Coding change: c.967T>G on transcript NM_003072.5 (MANE Select); coding-DNA position 967, T replaced by G.
Protein change: p.Ser323Ala; replaces serine 323 with alanine.
Molecular consequence: missense variant. On other transcripts: non-coding transcript variant (1).
Genome position (GRCh38, 1-based): chr19:10,987,773, T>G. VCF-style: chr19-10987773-T-G. GRCh37 (hg19) VCF-style: chr19-11098449-T-G.
Other names: c.967T>G, p.Ser323Ala (NM_001128844.3, NM_001128845.2, NM_001128846.2 and 6 more transcripts); short protein forms S323A.
Identifiers: ClinVar variation 2606874 (VCV002606874.2), dbSNP rs2145817761, ClinGen allele CA404058543.